The following is an entry in ClinVar:

ClinVar aggregate classification (germline): Likely benign (1 of 4 stars; one submission).

gnomAD v4.1: 3,735 of 1,612,390 alleles (0.23%); highest among the groups gnomAD compares: Non-Finnish European, 0.28%; 12 homozygotes.

Submission:

CeGaT Center for Human Genetics Tuebingen
Classification: Likely benign. Last evaluated: 2025-11-01. Review status: criteria provided, single submitter. Criteria: CeGaT Center For Human Genetics Tuebingen Variant Classification Criteria Version 2. Collection method: clinical testing. Allele origin: germline. Affected: yes. Observed: 1 variant allele.
Comment: BRD3: BS2

NM_007371.4(BRD3):c.1964A>G (p.Lys655Arg)

Gene: BRD3 (bromodomain containing 3; minus strand). Cytogenetic location: 9q34.2.
Variant type: single nucleotide variant.
Coding change: c.1964A>G on transcript NM_007371.4 (MANE Select); coding-DNA position 1964, A replaced by G.
Protein change: p.Lys655Arg; replaces lysine 655 with arginine.
Molecular consequence: missense variant.
Genome position (GRCh38, 1-based): chr9:134,034,802, T>C on the plus strand (A>G on the coding strand, the complement: BRD3 is on the minus strand). VCF-style: chr9-134034802-T-C. GRCh37 (hg19) VCF-style: chr9-136899924-T-C.
Other names: short protein forms K655R.
Identifiers: ClinVar variation 4533458 (VCV004533458.6).
Genomic context (GRCh38, chr9:134,034,802, plus strand): 5'-ACATCCTGCAGACGCTTTTCCAGCTCCTTCTTCTTTTCCTGAGCTAGCTCCTCTTTCGAC[T>C]TGGCTGCCTGTTTCTTCCCGCTTGCTGCTGTCGGGGAACAAATGGGCACTCAGACTGCAG-3'
Protein context (NP_031397.1, residues 645-665): FSASGKKQAA[Lys655Arg]SKEELAQEKK